The following is an entry in ClinVar:

ClinVar aggregate classification (germline): Pathogenic/Likely pathogenic. Review status: criteria provided, multiple submitters, no conflicts (2 of 4 stars). 3 submissions from 3 submitters: Pathogenic (1); Likely pathogenic (2). Last evaluated 2025-07-18.

Conditions:
Fanconi anemia (FA). Also called: Fanconi's anemia. Identifiers: Orphanet 84, MedGen C0015625, MeSH D005199, MONDO:0019391.
Fanconi anemia complementation group G. Also called: Fanconi anemia group G; FANCG-Related Fanconi Anemia. Identifiers: Orphanet 84, MedGen C3469527, MONDO:0013565, OMIM 614082.

Submissions (3):

Labcorp Genetics (formerly Invitae), Labcorp
Classification: Pathogenic for Fanconi anemia. Last evaluated: 2025-07-18. Review status: criteria provided, single submitter. Criteria: Invitae Variant Classification Sherloc (09022015). Collection method: clinical testing. Allele origin: germline.
Comment: This sequence change creates a premature translational stop signal (p.Ala495Glnfs*23) in the FANCG gene. It is expected to result in an absent or disrupted protein product. Loss-of-function variants in FANCG are known to be pathogenic (PMID: 12552564). The frequency data for this variant in the population databases is considered unreliable, as metrics indicate poor data quality at this position in the gnomAD database. This variant has not been reported in the literature in individuals affected with FANCG-related conditions. ClinVar contains an entry for this variant (Variation ID: 1454507). For these reasons, this variant has been classified as Pathogenic.

Natera, Inc.
Classification: Likely pathogenic for Fanconi anemia group G. Last evaluated: 2024-12-18. Review status: criteria provided, single submitter. Criteria: Natera Variant Classification Schema (03/2026). Collection method: clinical testing. Allele origin: germline.
Comment: The c.1483delG variant in FANCG is a frameshift variant predicted to shift the reading frame beginning at codon 495 and leads to a stop codon 23 codons downstream. This variant is expected to result in nonsense mediated decay, truncation, or a dysfunctional protein product. This variant is rare in the general population with a frequency below the threshold expected for the associated phenotype(s). Given the available evidence, this variant is classified as Likely Pathogenic.

Baylor Genetics
Classification: Likely pathogenic for Fanconi anemia complementation group G. Last evaluated: 2023-07-05. Review status: criteria provided, single submitter. Criteria: ACMG Guidelines, 2015. Collection method: clinical testing. Allele origin: unknown.

Literature cited by the submitters: PubMed 12552564 (cited by Labcorp Genetics (formerly Invitae), Labcorp).

NM_004629.2(FANCG):c.1483del

Gene: FANCG (FA complementation group G; minus strand). Cytogenetic location: 9p13.3.
Variant type: Deletion.
Coding change: c.1483del on transcript NM_004629.2 (MANE Select); coding-DNA position 1483, one base deleted (G; older notation c.1483delG).
Genome position (GRCh38, 1-based): chr9:35,075,080, C deleted on the plus strand (G on the coding strand, the reverse complement: FANCG is on the minus strand); the first of 4 consecutive C bases (chr9:35,075,080-35,075,083); deleting any one gives the same sequence. VCF-style (leftmost placement, unchanged base first): chr9-35075079-GC-G. GRCh37 (hg19) VCF-style: chr9-35075076-GC-G.
Other names: c.1483delG (NM_004629.1).
Identifiers: ClinVar variation 1454507 (VCV001454507.8), dbSNP rs760738460, ClinGen allele CA5039713.